The following is an entry in ClinVar:

NM_001197104.2(KMT2A):c.2503C>T (p.Leu835Phe)

Gene: KMT2A (lysine methyltransferase 2A; plus strand). Cytogenetic location: 11q23.3.
Variant type: single nucleotide variant.
Coding change: c.2503C>T on transcript NM_001197104.2 (MANE Select); coding-DNA position 2503, C replaced by T.
Protein change: p.Leu835Phe; replaces leucine 835 with phenylalanine.
Molecular consequence: missense variant.
Genome position (GRCh38, 1-based): chr11:118,473,662, C>T. VCF-style: chr11-118473662-C-T. GRCh37 (hg19) VCF-style: chr11-118344377-C-T.
Other names: c.2602C>T, p.Leu868Phe (NM_001412597.1); c.2503C>T, p.Leu835Phe (NM_005933.4); short protein forms L835F, L868F.
Identifiers: ClinVar variation 3634309 (VCV003634309.2).
Genomic context (GRCh38, chr11:118,473,662, plus strand): 5'-AGACCAAGGAAGCAGACTAGTGCTCCGGCAGAGCCATTTTCATCAAGTAGTCCTACTCCT[C>T]TCTTCCCTTGGTTTACCCCAGGCTCTCAGACTGAAAGAGGGAGAAATAAAGACAAGGCCC-3'
Protein context (NP_001184033.1, residues 825-845): EPFSSSSPTP[Leu835Phe]FPWFTPGSQT

ClinVar aggregate classification (germline): Uncertain significance (1 of 4 stars; one submission).

gnomAD v4.1: 1 of 1,614,158 alleles (0.000062%); highest among the groups gnomAD compares: Non-Finnish European, 0.000085%; no homozygotes.

Submission:

Labcorp Genetics (formerly Invitae), Labcorp
Classification: Uncertain significance. Last evaluated: 2024-06-25. Review status: criteria provided, single submitter. Criteria: Invitae Variant Classification Sherloc (09022015). Collection method: clinical testing. Allele origin: germline.
Comment: This sequence change replaces leucine, which is neutral and non-polar, with phenylalanine, which is neutral and non-polar, at codon 835 of the KMT2A protein (p.Leu835Phe). This variant is not present in population databases (gnomAD no frequency). This variant has not been reported in the literature in individuals affected with KMT2A-related conditions. Advanced modeling of protein sequence and biophysical properties (such as structural, functional, and spatial information, amino acid conservation, physicochemical variation, residue mobility, and thermodynamic stability) has been performed at Invitae for this missense variant, however the output from this modeling did not meet the statistical confidence thresholds required to predict the impact of this variant on KMT2A protein function. In summary, the available evidence is currently insufficient to determine the role of this variant in disease. Therefore, it has been classified as a Variant of Uncertain Significance.